The following is an entry in ClinVar:

ClinVar aggregate classification (germline): Conflicting classifications of pathogenicity. Review status: criteria provided, conflicting classifications (1 of 4 stars). 6 submissions from 6 submitters: Uncertain significance (4); Likely benign (1). 1 of the submissions does not count toward it. Last evaluated 2024-01-03.

Conditions:
Hereditary cancer-predisposing syndrome. Also called: Tumor predisposition; Hereditary Cancer Syndrome; Neoplastic Syndromes, Hereditary; Hereditary neoplastic syndrome. Identifiers: Orphanet 140162, MedGen C0027672, MeSH D009386, MONDO:0015356.
Breast-ovarian cancer, familial, susceptibility to, 2 (BROVCA2). Also called: BRCA2 Hereditary Breast and Ovarian Cancer. Identifiers: Orphanet 145, MedGen C2675520, MONDO:0012933, OMIM 612555. Disease mechanism: loss of function.
Hereditary breast ovarian cancer syndrome. Also called: Hereditary breast and ovarian cancer; Hereditary breast and ovarian cancer syndrome (HBOC); Hereditary breast and ovarian cancer syndrome; BRCA1- and BRCA2-Associated Hereditary Breast and Ovarian Cancer; Hereditary breast and/or ovarian cancer syndrome; Breast and ovarian cancer. Identifiers: Orphanet 145, MedGen C0677776, MeSH D061325, MONDO:0003582. Disease mechanism: loss of function.

Submissions (6):

GeneDx
Classification: Uncertain significance. Last evaluated: 2024-01-03. Review status: criteria provided, single submitter. Criteria: GeneDx Variant Classification Process June 2021. Collection method: clinical testing. Allele origin: germline. Affected: yes.
Comment: Not observed at significant frequency in large population cohorts (gnomAD); In silico analysis supports that this missense variant has a deleterious effect on protein structure/function; Has not been previously published as pathogenic or benign to our knowledge; Also known as 3596G>A

University of Washington Department of Laboratory Medicine, University of Washington
Classification: Likely benign for Hereditary cancer-predisposing syndrome. Last evaluated: 2023-03-23. Review status: criteria provided, single submitter. Criteria: Dines et al. (Genet Med. 2020). Collection method: curation. Allele origin: germline.
Comment: Missense variant in a coldspot region where missense variants are very unlikely to be pathogenic (PMID:31911673).

BRCA2 exon 11 coldspot. Reclassification based on statistical prior probability.

Blueprint Genetics
Classification: Uncertain significance. Last evaluated: 2019-09-17. Review status: criteria provided, single submitter. Criteria: ACMG Guidelines, 2015. Collection method: clinical testing. Allele origin: germline.

Labcorp Genetics (formerly Invitae), Labcorp
Classification: Uncertain significance for Hereditary breast ovarian cancer syndrome. Last evaluated: 2019-04-29. Review status: criteria provided, single submitter. Criteria: Invitae Variant Classification Sherloc (09022015). Collection method: clinical testing. Allele origin: germline.
Comment: This sequence change replaces serine with asparagine at codon 1123 of the BRCA2 protein (p.Ser1123Asn). The serine residue is highly conserved and there is a small physicochemical difference between serine and asparagine. In summary, the available evidence is currently insufficient to determine the role of this variant in disease. Therefore, it has been classified as a Variant of Uncertain Significance. Algorithms developed to predict the effect of missense changes on protein structure and function are either unavailable or do not agree on the potential impact of this missense change (SIFT: "Tolerated"; PolyPhen-2: "Probably Damaging"; Align-GVGD: "Class C0"). This variant has not been reported in the literature in individuals with BRCA2-related conditions. ClinVar contains an entry for this variant (Variation ID: 483133). This variant is not present in population databases (ExAC no frequency).

Ambry Genetics
Classification: Uncertain significance for Hereditary cancer-predisposing syndrome. Last evaluated: 2017-08-29. Review status: criteria provided, single submitter. Criteria: Ambry Variant Classification Scheme 2023. Collection method: clinical testing. Allele origin: germline.
Comment: The p.S1123N variant (also known as c.3368G>A), located in coding exon 10 of the BRCA2 gene, results from a G to A substitution at nucleotide position 3368. The serine at codon 1123 is replaced by asparagine, an amino acid with highly similar properties. This amino acid position is highly conserved in available vertebrate species. In addition, this alteration is predicted to be tolerated by in silico analysis. Since supporting evidence is limited at this time, the clinical significance of this alteration remains unclear.

Department of Pathology and Laboratory Medicine, Sinai Health System
Classification: Uncertain significance for Breast-ovarian cancer, familial, susceptibility to, 2. Review status: no assertion criteria provided. Collection method: clinical testing. Allele origin: unknown. Affected: yes. Study: The Canadian Open Genetics Repository (COGR). Not counted in ClinVar's aggregate classification.
Comment: The BRCA2 p.Ser1123Asn variant was not identified in the literature nor was it identified in the dbSNP, LOVD 3.0, or UMD-LSDB. The variant was only identified in ClinVar (classified as uncertain significance by Ambry Genetics).The variant was not identified in the following control databases: the Exome Aggregation Consortium (August 8th 2016), or the Genome Aggregation Database (Feb 27, 2017). The p.Ser1123 residue is conserved in mammals and computational analyses (PolyPhen-2, SIFT, AlignGVGD, BLOSUM, MutationTaster) provide inconsistent predictions regarding the impact to the protein; this information is not very predictive of pathogenicity. The variant occurs outside of the splicing consensus sequence and 1 of 4 in silico or computational prediction software programs (SpliceSiteFinder, MaxEntScan, NNSPLICE, GeneSplicer) predict a greater than 10% difference in splicing; this is not very predictive of pathogenicity. In summary, based on the above information the clinical significance of this variant cannot be determined with certainty at this time. This variant is classified as a variant of uncertain significance.

NM_000059.4(BRCA2):c.3368G>A (p.Ser1123Asn)

Gene: BRCA2 (BRCA2 DNA repair associated; plus strand). Cytogenetic location: 13q13.1.
Variant type: single nucleotide variant.
Coding change: c.3368G>A on transcript NM_000059.4 (MANE Select); coding-DNA position 3368, G replaced by A.
Protein change: p.Ser1123Asn; replaces serine 1123 with asparagine.
Molecular consequence: missense variant.
Genome position (GRCh38, 1-based): chr13:32,337,723, G>A. VCF-style: chr13-32337723-G-A. GRCh37 (hg19) VCF-style: chr13-32911860-G-A.
Other names: short protein forms S1123N.
Identifiers: ClinVar variation 483133 (VCV000483133.19), dbSNP rs1555283202, ClinGen allele CA387776393.